The following is an entry in ClinVar:

NM_003000.3(SDHB):c.717dup (p.Leu240fs)

Gene: SDHB (succinate dehydrogenase complex iron sulfur subunit B; minus strand). Cytogenetic location: 1p36.13.
Variant type: Duplication.
Coding change: c.717dup on transcript NM_003000.3 (MANE Select); coding-DNA position 717, one base duplicated (T; older notation c.717dupT).
Protein change: p.Leu240fs; shifts the reading frame from leucine 240.
Molecular consequence: frameshift variant.
Genome position (GRCh38, 1-based): chr1:17,022,656, A duplicated on the plus strand (T on the coding strand, the reverse complement: SDHB is on the minus strand). VCF-style (leftmost placement, unchanged base first): chr1-17022655-G-GA. GRCh37 (hg19) VCF-style: chr1-17349150-G-GA.
Other names: c.717dupT (NM_003000.2); short protein forms L240fs.
Identifiers: ClinVar variation 412481 (VCV000412481.11), dbSNP rs1060503764, ClinGen allele CA16609911.

ClinVar aggregate classification (germline): Pathogenic. Review status: criteria provided, multiple submitters, no conflicts (2 of 4 stars). 2 submissions from 2 submitters: Pathogenic (2). Last evaluated 2024-04-29.

Conditions:
Hereditary cancer-predisposing syndrome. Also called: Neoplastic Syndromes, Hereditary; Hereditary Cancer Syndrome; Hereditary neoplastic syndrome; Tumor predisposition. Identifiers: Orphanet 140162, MedGen C0027672, MeSH D009386, MONDO:0015356.
Pheochromocytoma/paraganglioma syndrome 4. Also called: PARAGANGLIOMA, FAMILIAL MALIGNANT; PARAGANGLIOMAS, HEREDITARY EXTRAADRENAL; PHEOCHROMOCYTOMA, FAMILIAL EXTRAADRENAL; Paragangliomas 4; CAROTID BODY TUMORS AND MULTIPLE EXTRAADRENAL PHEOCHROMOCYTOMAS; SDHB-Related Hereditary Paraganglioma-Pheochromocytoma Syndrome (Paragangliomas 4). Identifiers: Orphanet 29072, MedGen C1861848, MONDO:0007273, OMIM 115310.
Gastrointestinal stromal tumor. Also called: Gastrointestinal stroma tumor; Gastrointestinal stromal tumor, somatic. Identifiers: Orphanet 44890, MedGen C0238198, MeSH D046152, MONDO:0011719, OMIM 606764, HP:0100723.
Pheochromocytoma. Also called: MAX-Related Hereditary Paraganglioma-Pheochromocytoma Syndrome. Identifiers: Orphanet 29072, MedGen C0031511, MONDO:0008233, OMIM 171300, HP:0002666.

Submissions (2):

Labcorp Genetics (formerly Invitae), Labcorp
Classification: Pathogenic for Gastrointestinal stromal tumor; Pheochromocytoma/paraganglioma syndrome 4; Pheochromocytoma. Last evaluated: 2024-04-29. Review status: criteria provided, single submitter. Criteria: Invitae Variant Classification Sherloc (09022015). Collection method: clinical testing. Allele origin: germline.
Comment: This sequence change creates a premature translational stop signal (p.Leu240Serfs*16) in the SDHB gene. While this is not anticipated to result in nonsense mediated decay, it is expected to disrupt the last 41 amino acid(s) of the SDHB protein. This variant is not present in population databases (gnomAD no frequency). This variant has not been reported in the literature in individuals affected with SDHB-related conditions. ClinVar contains an entry for this variant (Variation ID: 412481). This variant disrupts a region of the SDHB protein in which other variant(s) (deletion of exon 8) have been determined to be pathogenic (Invitae). This suggests that this is a clinically significant region of the protein, and that variants that disrupt it are likely to be disease-causing. For these reasons, this variant has been classified as Pathogenic.

Ambry Genetics
Classification: Pathogenic for Hereditary cancer-predisposing syndrome. Last evaluated: 2015-11-10. Review status: criteria provided, single submitter. Criteria: Ambry Variant Classification Scheme 2023. Collection method: clinical testing. Allele origin: germline.
Comment: The c.717dupT pathogenic mutation, located in coding exon 7 of the SDHB gene, results from a duplication of T at nucleotide position 717, causing a translational frameshift with a predicted alternate stop codon. Similar alterations have been reported in this region in individuals with PCCs and PGLs (Amar L, J et al. Clin. Oncol. 2005 Dec; 23(34):8812-8; Neumann HP et al. Cancer Res. 2009 Apr; 69(8):3650-6; Lima J et al. J. Clin. Endocrinol. Metab. 2007 Dec; 92(12):4853-64). In addition to the evidence presented in the literature, since frameshifts are typically deleterious in nature, this alteration is interpreted as a disease-causing mutation (ACMG Recommendations for Standards for Interpretation and Reporting of Sequence Variations. Revision 2007. Genet Med. 2008;10:294).

Literature cited by the submitters: PubMed 16314641 (cited by Ambry Genetics); PubMed 17848412 (cited by Ambry Genetics); PubMed 19351833 (cited by Ambry Genetics).